The following is an entry in ClinVar:

NM_020435.4(GJC2):c.139T>C (p.Tyr47His)

Gene: GJC2 (gap junction protein gamma 2; plus strand). Cytogenetic location: 1q42.13.
Variant type: single nucleotide variant.
Coding change: c.139T>C on transcript NM_020435.4 (MANE Select); coding-DNA position 139, T replaced by C.
Protein change: p.Tyr47His; replaces tyrosine 47 with histidine.
Molecular consequence: missense variant.
Genome position (GRCh38, 1-based): chr1:228,157,897, T>C. VCF-style: chr1-228157897-T-C. GRCh37 (hg19) VCF-style: chr1-228345598-T-C.
Other names: short protein forms Y47H.
Identifiers: ClinVar variation 2261981 (VCV002261981.6), dbSNP rs1280654307, ClinGen allele CA345096976.

ClinVar aggregate classification (germline): Uncertain significance. Review status: criteria provided, multiple submitters, no conflicts (2 of 4 stars). 3 submissions from 3 submitters: Uncertain significance (3). Last evaluated 2024-02-02.

Conditions:
Inborn genetic diseases. Identifiers: MedGen C0950123, MeSH D030342.
Spastic paraplegia. Identifiers: MedGen C0037772, HP:0001258.

Allele frequency attached by ClinVar (database versions not stated): gnomAD exomes below 0.00001; TOPMed below 0.00001; gnomAD 0.00001.
gnomAD v4.1: 6 of 1,612,490 alleles (0.00037%); highest among the groups gnomAD compares: Non-Finnish European, 0.00042%; no homozygotes.

Submissions (3):

GeneDx
Classification: Uncertain significance. Last evaluated: 2024-02-02. Review status: criteria provided, single submitter. Criteria: GeneDx Variant Classification Process June 2021. Collection method: clinical testing. Allele origin: germline. Affected: yes.
Comment: Reported in a patient with Pelizaeus-Merzbacher-like disease; however, it is unknown if a second GJC2 variant was also identified in this patient (PMID: 37828657); In silico analysis supports that this missense variant has a deleterious effect on protein structure/function; Not observed at significant frequency in large population cohorts (gnomAD); This variant is associated with the following publications: (PMID: 37828657)

Labcorp Genetics (formerly Invitae), Labcorp
Classification: Uncertain significance for Spastic paraplegia. Last evaluated: 2023-06-01. Review status: criteria provided, single submitter. Criteria: Invitae Variant Classification Sherloc (09022015). Collection method: clinical testing. Allele origin: germline.
Comment: This sequence change replaces tyrosine, which is neutral and polar, with histidine, which is basic and polar, at codon 47 of the GJC2 protein (p.Tyr47His). This variant has not been reported in the literature in individuals affected with GJC2-related conditions. This variant is present in population databases (no rsID available, gnomAD 0.0009%). Advanced modeling of protein sequence and biophysical properties (such as structural, functional, and spatial information, amino acid conservation, physicochemical variation, residue mobility, and thermodynamic stability) has been performed at Invitae for this missense variant, however the output from this modeling did not meet the statistical confidence thresholds required to predict the impact of this variant on GJC2 protein function. In summary, the available evidence is currently insufficient to determine the role of this variant in disease. Therefore, it has been classified as a Variant of Uncertain Significance. ClinVar contains an entry for this variant (Variation ID: 2261981).

Ambry Genetics
Classification: Uncertain significance for Inborn genetic diseases. Last evaluated: 2021-11-22. Review status: criteria provided, single submitter. Criteria: Ambry Variant Classification Scheme 2023. Collection method: clinical testing. Allele origin: germline.